The following is an entry in ClinVar:

NM_001134407.3(GRIN2A):c.131A>T (p.His44Leu)

Gene: GRIN2A (glutamate ionotropic receptor NMDA type subunit 2A; minus strand). Cytogenetic location: 16p13.2.
Variant type: single nucleotide variant.
Coding change: c.131A>T on transcript NM_001134407.3 (MANE Select); coding-DNA position 131, A replaced by T.
Protein change: p.His44Leu; replaces histidine 44 with leucine.
Molecular consequence: missense variant.
Genome position (GRCh38, 1-based): chr16:10,180,281, T>A on the plus strand (A>T on the coding strand, the complement: GRIN2A is on the minus strand). VCF-style: chr16-10180281-T-A. GRCh37 (hg19) VCF-style: chr16-10274138-T-A.
Other names: c.131A>T, p.His44Leu (NM_000833.5, NM_001134408.2); short protein forms H44L.
Identifiers: ClinVar variation 3257455 (VCV003257455.17).

ClinVar aggregate classification (germline): Uncertain significance (1 of 4 stars; one submission).

Submission:

CeGaT Center for Human Genetics Tuebingen
Classification: Uncertain significance. Last evaluated: 2024-07-01. Review status: criteria provided, single submitter. Criteria: CeGaT Center For Human Genetics Tuebingen Variant Classification Criteria Version 2. Collection method: clinical testing. Allele origin: germline. Affected: yes. Observed: 1 variant allele.
Comment: GRIN2A: PM2